The following is an entry in ClinVar:

ClinVar aggregate classification (germline): Uncertain significance (1 of 4 stars; one submission).

Conditions:
PDE1C-related disorder. Also called: PDE1C-related condition.

gnomAD v4.1: 15 of 1,609,866 alleles (0.00093%); highest among the groups gnomAD compares: Admixed American, 0.023%; no homozygotes.

Submission:

PreventionGenetics, part of Exact Sciences
Classification: Uncertain significance for PDE1C-related condition. Last evaluated: 2025-09-23. Review status: criteria provided, single submitter. Criteria: ACMG Guidelines, 2015. Collection method: clinical testing. Allele origin: germline.
Comment: The PDE1C c.1276A>G variant is predicted to result in the amino acid substitution p.Lys426Glu. To our knowledge, this variant has not been reported in the literature. This variant is reported in 0.041% of alleles in individuals of Latino descent in gnomAD. Although we suspect that this variant may be benign, at this time, the clinical significance of this variant is uncertain due to the absence of conclusive functional and genetic evidence.

NM_001191057.4(PDE1C):c.1096A>G (p.Lys366Glu)

Gene: PDE1C (phosphodiesterase 1C; minus strand). Cytogenetic location: 7p14.3.
Variant type: single nucleotide variant.
Coding change: c.1096A>G on transcript NM_001191057.4 (MANE Select); coding-DNA position 1096, A replaced by G.
Protein change: p.Lys366Glu; replaces lysine 366 with glutamic acid.
Molecular consequence: missense variant.
Genome position (GRCh38, 1-based): chr7:31,837,287, T>C on the plus strand (A>G on the coding strand, the complement: PDE1C is on the minus strand). VCF-style: chr7-31837287-T-C. GRCh37 (hg19) VCF-style: chr7-31876901-T-C.
Other names: c.1096A>G, p.Lys366Glu (NM_001191056.3, NM_001191059.4, NM_001322055.2 and 3 more transcripts); c.1276A>G, p.Lys426Glu (NM_001191058.4, NM_001322058.2); c.1501A>G, p.Lys501Glu (NM_001322059.2); short protein forms K366E, K426E, K501E.
Identifiers: ClinVar variation 4981897 (VCV004981897.1).
Genomic context (GRCh38, chr7:31,837,287, plus strand): 5'-GGTCCCATGCTTTTGCTGGATGGCTAATATCTGCTGTATGCAGCATAAGGGATAAGGCTT[T>C]TGGCTTTTCAATGCTGTAAACCAAAAGCACCCAAACACATGATAACCACACTCTTCAGAA-3'
Protein context (NP_001177986.1, residues 356-376): LQQPEAIEKP[Lys366Glu]ALSLMLHTAD